The following is an entry in ClinVar:

ClinVar aggregate classification (germline): Conflicting classifications of pathogenicity. Review status: criteria provided, conflicting classifications (1 of 4 stars). 10 submissions from 10 submitters: Uncertain significance (6); Benign (1); Likely benign (2). 1 of the submissions does not count toward it. Last evaluated 2025-06-07.

Conditions:
Inborn genetic diseases. Identifiers: MedGen C0950123, MeSH D030342.
PIEZO1-related disorder. Also called: PIEZO1-Related Disorders; PIEZO1-related condition.

Allele frequency attached by ClinVar (database versions not stated): 1000 Genomes Project 30x 0.00031; gnomAD 0.00036 and 0.00038; TOPMed 0.00036; gnomAD exomes 0.00037 and 0.00051; 1000 Genomes Project 0.00040; ExAC 0.00045; ESP Exome Variant Server 0.00153.
gnomAD v4.1: 765 of 1,547,298 alleles (0.049%); highest among the groups gnomAD compares: Middle Eastern, 0.12%; 1 homozygote.

Submissions (10):

Ambry Genetics
Classification: Uncertain significance for Inborn genetic diseases. Last evaluated: 2025-06-07. Review status: criteria provided, single submitter. Criteria: Ambry Variant Classification Scheme 2023. Collection method: clinical testing. Allele origin: germline.

Labcorp Genetics (formerly Invitae), Labcorp
Classification: Benign. Last evaluated: 2025-05-14. Review status: criteria provided, single submitter. Criteria: Invitae Variant Classification Sherloc (09022015). Collection method: clinical testing. Allele origin: germline.

CeGaT Center for Human Genetics Tuebingen
Classification: Likely benign. Last evaluated: 2025-03-01. Review status: criteria provided, single submitter. Criteria: CeGaT Center For Human Genetics Tuebingen Variant Classification Criteria Version 2. Collection method: clinical testing. Allele origin: germline. Affected: yes. Observed: 1 variant allele.
Comment: PIEZO1: PP3, BS2

Women's Health and Genetics/Laboratory Corporation of America, LabCorp
Classification: Uncertain significance. Last evaluated: 2024-12-06. Review status: criteria provided, single submitter. Criteria: LabCorp Variant Classification Summary - May 2015. Collection method: clinical testing. Allele origin: germline.
Comment: Variant summary: PIEZO1 c.4252T>C (p.Tyr1418His) results in a conservative amino acid change in the encoded protein sequence. Four of five in-silico tools predict a damaging effect of the variant on protein function. The variant allele was found at a frequency of 0.00037 in 155594 control chromosomes (gnomAD). This frequency is not significantly higher than estimated for a pathogenic variant in PIEZO1 causing Dehydrated Hereditary Stomatocytosis With Or Without Pseudohyperkalemia And/or Perinatal Edema, allowing no conclusion about variant significance. c.4252T>C has been reported as a VUS in the literature in an isolated fetal edema case (Roverson_2023). This report does not provide unequivocal conclusions about association of the variant with Dehydrated Hereditary Stomatocytosis With Or Without Pseudohyperkalemia And/or Perinatal Edema. To our knowledge, no experimental evidence demonstrating an impact on protein function has been reported. The following publication has been ascertained in the context of this evaluation (PMID: 36959127). ClinVar contains an entry for this variant (Variation ID: 618279). Based on the evidence outlined above, the variant was classified as uncertain significance.

Blueprint Genetics
Classification: Uncertain significance. Last evaluated: 2024-11-27. Review status: criteria provided, single submitter. Criteria: ACMG Guidelines, 2015. Collection method: clinical testing. Allele origin: germline.

Revvity Omics, Revvity
Classification: Likely benign. Last evaluated: 2023-05-26. Review status: criteria provided, single submitter. Criteria: ACMG Guidelines, 2015. Collection method: clinical testing. Allele origin: germline.

GeneDx
Classification: Uncertain significance. Last evaluated: 2020-03-31. Review status: criteria provided, single submitter. Criteria: GeneDx Variant Classification Process June 2021. Collection method: clinical testing. Allele origin: germline. Affected: yes.
Comment: In silico analysis supports that this missense variant has a deleterious effect on protein structure/function; Has not been previously published as pathogenic or benign to our knowledge

Mayo Clinic Laboratories, Mayo Clinic
Classification: Uncertain significance. Last evaluated: 2019-07-11. Review status: criteria provided, single submitter. Criteria: ACMG Guidelines, 2015. Collection method: clinical testing. Allele origin: germline. Observed: 1 variant allele.

ARUP Laboratories, Molecular Genetics and Genomics, ARUP Laboratories
Classification: Uncertain significance. Last evaluated: 2017-10-17. Review status: criteria provided, single submitter. Criteria: ARUP Molecular Germline Variant Investigation Process. Collection method: clinical testing. Allele origin: germline.

PreventionGenetics, part of Exact Sciences
Classification: Likely benign for PIEZO1-related condition. Last evaluated: 2023-09-27. Review status: no assertion criteria provided. Collection method: clinical testing. Allele origin: germline. Not counted in ClinVar's aggregate classification.
Comment: This variant is classified as likely benign based on ACMG/AMP sequence variant interpretation guidelines (Richards et al. 2015 PMID: 25741868, with internal and published modifications).

Literature cited by the submitters: PubMed 36959127 (cited by Women's Health and Genetics/Laboratory Corporation of America, LabCorp).

NM_001142864.4(PIEZO1):c.4252T>C (p.Tyr1418His)

Gene: PIEZO1 (piezo type mechanosensitive ion channel component 1 (Er blood group); minus strand). Cytogenetic location: 16q24.3.
Variant type: single nucleotide variant.
Coding change: c.4252T>C on transcript NM_001142864.4 (MANE Select); coding-DNA position 4252, T replaced by C.
Protein change: p.Tyr1418His; replaces tyrosine 1418 with histidine.
Molecular consequence: missense variant.
Genome position (GRCh38, 1-based): chr16:88,723,954, A>G on the plus strand (T>C on the coding strand, the complement: PIEZO1 is on the minus strand). VCF-style: chr16-88723954-A-G. GRCh37 (hg19) VCF-style: chr16-88790362-A-G.
Other names: c.4252T>C, p.Tyr1418His (LRG_1137t1); c.4252T>C (NM_001142864.3); short protein forms Y1418H.
Identifiers: ClinVar variation 618279 (VCV000618279.35), dbSNP rs147153006, ClinGen allele CA8232206.
Genomic context (GRCh38, chr16:88,723,954, plus strand): 5'-GCCTCGGGTCTTCAGGAACAGCCTCCTCCTCTTCCTCACTGTCGGACTCAAACAGGAAGT[A>G]GTCCCCGGAGTGGATGACTGTGGGCAGGCAGCACTGAGAGCCAGCCTTCCATGCAGGGAG-3'
Protein context (NP_001136336.2, residues 1408-1428): DHATVIHSGD[Tyr1418His]FLFESDSEEE